The following is an entry in ClinVar:

ClinVar aggregate classification (germline): Uncertain significance (1 of 4 stars; one submission).

Conditions:
Hereditary spastic paraplegia 11. Also called: Spastic Paraplegia 11; Nakamura Osame syndrome; Autosomal recessive hereditary spastic paraplegia, mental impairment, and thin corpus callosum; SPASTIC PARAPLEGIA, AUTOSOMAL RECESSIVE, COMPLICATED, WITH THIN CORPUS CALLOSUM; SPASTIC PARAPLEGIA, AUTOSOMAL RECESSIVE, WITH MENTAL IMPAIRMENT AND THIN CORPUS CALLOSUM; Spastic paraplegia, mental retardation and thin corpus callosum. Identifiers: Orphanet 2822, MedGen C1858479, MONDO:0011445, OMIM 604360.

gnomAD v4.1: 3 of 1,614,212 alleles (0.00019%); highest among the groups gnomAD compares: South Asian, 0.0011%; no homozygotes.

Submission:

Labcorp Genetics (formerly Invitae), Labcorp
Classification: Uncertain significance for Hereditary spastic paraplegia 11. Last evaluated: 2025-04-07. Review status: criteria provided, single submitter. Criteria: Invitae Variant Classification Sherloc (09022015). Collection method: clinical testing. Allele origin: germline.
Comment: This sequence change replaces histidine, which is basic and polar, with arginine, which is basic and polar, at codon 175 of the SPG11 protein (p.His175Arg). This variant is not present in population databases (gnomAD no frequency). This variant has not been reported in the literature in individuals affected with SPG11-related conditions. ClinVar contains an entry for this variant (Variation ID: 1351762). An algorithm developed to predict the effect of missense changes on protein structure and function outputs the following: PolyPhen-2: "Benign". The arginine amino acid residue is found in multiple mammalian species, which suggests that this missense change does not adversely affect protein function. In summary, the available evidence is currently insufficient to determine the role of this variant in disease. Therefore, it has been classified as a Variant of Uncertain Significance.

NM_025137.4(SPG11):c.524A>G (p.His175Arg)

Gene: SPG11 (SPG11 vesicle trafficking associated, spatacsin; minus strand). Cytogenetic location: 15q21.1.
Variant type: single nucleotide variant.
Coding change: c.524A>G on transcript NM_025137.4 (MANE Select); coding-DNA position 524, A replaced by G.
Protein change: p.His175Arg; replaces histidine 175 with arginine.
Molecular consequence: missense variant.
Genome position (GRCh38, 1-based): chr15:44,659,222, T>C on the plus strand (A>G on the coding strand, the complement: SPG11 is on the minus strand). VCF-style: chr15-44659222-T-C. GRCh37 (hg19) VCF-style: chr15-44951420-T-C.
Other names: c.524A>G, p.His175Arg (NM_001160227.2); short protein forms H175R.
Identifiers: ClinVar variation 1351762 (VCV001351762.6), dbSNP rs895170417, ClinGen allele CA270109585.